The following is an entry in ClinVar:

NM_002691.4(POLD1):c.1067C>T (p.Thr356Ile)

Gene: POLD1 (DNA polymerase delta 1, catalytic subunit; plus strand). Cytogenetic location: 19q13.33.
Variant type: single nucleotide variant.
Coding change: c.1067C>T on transcript NM_002691.4 (MANE Select); coding-DNA position 1067, C replaced by T.
Protein change: p.Thr356Ile; replaces threonine 356 with isoleucine.
Molecular consequence: missense variant. On other transcripts: non-coding transcript variant (1).
Genome position (GRCh38, 1-based): chr19:50,403,149, C>T. VCF-style: chr19-50403149-C-T. GRCh37 (hg19) VCF-style: chr19-50906406-C-T.
Other names: c.1067C>T, p.Thr356Ile (NM_001256849.1, NM_001308632.1); short protein forms T356I.
Identifiers: ClinVar variation 3422013 (VCV003422013.1).

ClinVar aggregate classification (germline): Uncertain significance (1 of 4 stars; one submission).

Conditions:
Hereditary cancer-predisposing syndrome. Also called: Neoplastic Syndromes, Hereditary; Tumor predisposition; Hereditary Cancer Syndrome; Hereditary neoplastic syndrome. Identifiers: Orphanet 140162, MedGen C0027672, MeSH D009386, MONDO:0015356.

Submission:

Ambry Genetics
Classification: Uncertain significance for Hereditary cancer-predisposing syndrome. Last evaluated: 2024-12-09. Review status: criteria provided, single submitter. Criteria: Ambry Variant Classification Scheme 2023. Collection method: clinical testing. Allele origin: germline.
Comment: The p.T356I variant (also known as c.1067C>T), located in coding exon 8 of the POLD1 gene, results from a C to T substitution at nucleotide position 1067. The threonine at codon 356 is replaced by isoleucine, an amino acid with similar properties. This amino acid position is highly conserved in available vertebrate species. In addition, the in silico prediction for this alteration is inconclusive. Based on the available evidence, the clinical significance of this variant remains unclear.